The following is an entry in ClinVar:

NM_001424.6(EMP2):c.397G>A (p.Val133Met)

Gene: EMP2 (epithelial membrane protein 2; minus strand). Cytogenetic location: 16p13.13.
Variant type: single nucleotide variant.
Coding change: c.397G>A on transcript NM_001424.6 (MANE Select); coding-DNA position 397, G replaced by A.
Protein change: p.Val133Met; replaces valine 133 with methionine.
Molecular consequence: missense variant.
Genome position (GRCh38, 1-based): chr16:10,533,012, C>T on the plus strand (G>A on the coding strand, the complement: EMP2 is on the minus strand). VCF-style: chr16-10533012-C-T. GRCh37 (hg19) VCF-style: chr16-10626869-C-T.
Other names: short protein forms V133M.
Identifiers: ClinVar variation 2215913 (VCV002215913.3), dbSNP rs200685237, ClinGen allele CA7897743.
Genomic context (GRCh38, chr16:10,533,012, plus strand): 5'-TGCAGGCGAAGGCCACCCACGCCAGGATGTAGGAGTAGCCGTAGCTGCCTTCTCTGGTCA[C>T]GGGATAGAATTTCGCGTTTTTGTCGTGAATGTCTTCACGCCTGTCTGTATAAATGGAGGC-3'
Protein context (NP_001415.1, residues 123-143): IHDKNAKFYP[Val133Met]TREGSYGYSY

ClinVar aggregate classification (germline): Conflicting classifications of pathogenicity. Review status: criteria provided, conflicting classifications (1 of 4 stars). 2 submissions from 2 submitters: Uncertain significance (1); Likely benign (1). Last evaluated 2025-03-18.

Allele frequency attached by ClinVar (database versions not stated): gnomAD 0.00015; 1000 Genomes Project 0.00040; 1000 Genomes Project 30x 0.00047; TOPMed 0.00014; ESP Exome Variant Server 0.00015.
gnomAD v4.1: 387 of 1,611,938 alleles (0.024%); highest among the groups gnomAD compares: Admixed American, 0.038%; no homozygotes.

Submissions (2):

GeneDx
Classification: Uncertain significance. Last evaluated: 2025-03-18. Review status: criteria provided, single submitter. Criteria: GeneDx Variant Classification Process June 2021. Collection method: clinical testing. Allele origin: germline. Affected: yes.
Comment: In silico analysis indicates that this missense variant does not alter protein structure/function; Observed in apparent homozygous state in a patient with COVID-19 in the literature and not observed in homozygous state in controls; This variant is associated with the following publications: (PMID: 36654985)

Ambry Genetics
Classification: Likely benign. Last evaluated: 2022-06-24. Review status: criteria provided, single submitter. Criteria: Ambry Variant Classification Scheme 2023. Collection method: clinical testing. Allele origin: germline.